The following is an entry in ClinVar:

NM_001792.5(CDH2):c.2393C>G (p.Pro798Arg)

Genes: CDH2 (cadherin 2; minus strand), CDH2-AS1 (CDH2 antisense RNA 1; plus strand). Cytogenetic location: 18q12.1.
Variant type: single nucleotide variant.
Coding change: c.2393C>G on transcript NM_001792.5 (MANE Select); coding-DNA position 2393, C replaced by G.
Protein change: p.Pro798Arg; replaces proline 798 with arginine.
Molecular consequence: missense variant.
Genome position (GRCh38, 1-based): chr18:27,963,478, G>C on the plus strand (C>G on the coding strand, the complement: CDH2 is on the minus strand). VCF-style: chr18-27963478-G-C. GRCh37 (hg19) VCF-style: chr18-25543442-G-C.
Other names: c.2300C>G, p.Pro767Arg (NM_001308176.2); short protein forms P767R, P798R.
Identifiers: ClinVar variation 3998909 (VCV003998909.1).

ClinVar aggregate classification (germline): Uncertain significance (1 of 4 stars; one submission).

Conditions:
Inborn genetic diseases. Identifiers: MedGen C0950123, MeSH D030342.

gnomAD v4.1: 2 of 1,614,006 alleles (0.00012%); highest among the groups gnomAD compares: Non-Finnish European, 0.00017%; no homozygotes.

Submission:

Ambry Genetics
Classification: Uncertain significance for Inborn genetic diseases. Last evaluated: 2025-06-10. Review status: criteria provided, single submitter. Criteria: Ambry Variant Classification Scheme 2023. Collection method: clinical testing. Allele origin: germline.
Comment: The p.P798R variant (also known as c.2393C>G), located in coding exon 15 of the CDH2 gene, results from a C to G substitution at nucleotide position 2393. The proline at codon 798 is replaced by arginine, an amino acid with dissimilar properties. This amino acid position is conserved. In addition, this alteration is predicted to be deleterious by in silico analysis. Based on the available evidence, the clinical significance of this variant remains unclear.